The following is an entry in ClinVar:

ClinVar aggregate classification (germline): Uncertain significance (1 of 4 stars; one submission).

gnomAD v4.1: 1 of 1,592,650 alleles (0.000063%); highest among the groups gnomAD compares: Non-Finnish European, 0.000086%; no homozygotes.

Submission:

GeneDx
Classification: Uncertain significance. Last evaluated: 2025-09-10. Review status: criteria provided, single submitter. Criteria: GeneDx Variant Classification Process June 2021. Collection method: clinical testing. Allele origin: germline. Affected: yes.
Comment: In silico analysis supports a deleterious effect on splicing; Has not been previously published as pathogenic or benign to our knowledge; No data available from control populations to assess the frequency of this variant

NM_001130438.3(SPTAN1):c.7308+115A>G

Gene: SPTAN1 (spectrin alpha, non-erythrocytic 1; plus strand). Cytogenetic location: 9q34.11.
Variant type: single nucleotide variant.
Coding change: c.7308+115A>G on transcript NM_001130438.3 (MANE Select); 115 bases into the intron after coding-DNA position 7308, A replaced by G.
Molecular consequence: intron variant.
Genome position (GRCh38, 1-based): chr9:128,633,070, A>G. VCF-style: chr9-128633070-A-G. GRCh37 (hg19) VCF-style: chr9-131395349-A-G.
Other names: c.7407+115A>G (NM_001375318.1); c.7344+115A>G (NM_001375312.2, NM_001438440.1); c.7308+115A>G (NM_001375311.2); c.7248+115A>G (NM_001375314.2, NM_001363765.2); c.7395+115A>G (NM_001375310.1); c.7371+115A>G (NM_001363759.2); c.7290+115A>G (NM_001375313.1); c.7356+115A>G (NM_001438445.1); and 6 more.
Identifiers: ClinVar variation 4813400 (VCV004813400.1).
Genomic context (GRCh38, chr9:128,633,070, plus strand): 5'-TTTGTGGCAGAGCTGAGTCTGGGGTAACAGGCCCTGCGCTGGGTATTCTCCCCATTTACA[A>G]ATCAAACTCAGTATGGACAGAAGTCCCGGATCTGCTTGTAGAAGCAGCTCCGAGCCCCCA-3'